The following is an entry in ClinVar:

ClinVar aggregate classification (germline): Uncertain significance. Review status: criteria provided, multiple submitters, no conflicts (2 of 4 stars). 4 submissions from 4 submitters: Uncertain significance (3). 1 of the submissions does not count toward it. Last evaluated 2024-09-30.

Conditions:
Retinitis pigmentosa (RP). Identifiers: Orphanet 791, MedGen C0035334, MeSH D012174, MONDO:0019200, OMIM 268000. Inheritance: Autosomal dominant, autosomal recessive and X linked inheritance.
Retinitis pigmentosa 28 (RP28). Identifiers: Orphanet 791, MedGen C1419614, MONDO:0011630, OMIM 606068.

Allele frequency attached by ClinVar (database versions not stated): gnomAD 0.00001; gnomAD exomes 0.00003; TOPMed 0.00003; ExAC 0.00005; 1000 Genomes Project 30x 0.00016; 1000 Genomes Project 0.00020.

Submissions (4):

Blueprint Genetics
Classification: Uncertain significance. Last evaluated: 2024-09-30. Review status: criteria provided, single submitter. Criteria: ACMG Guidelines, 2015. Collection method: clinical testing. Allele origin: germline.

Labcorp Genetics (formerly Invitae), Labcorp
Classification: Uncertain significance. Last evaluated: 2022-08-16. Review status: criteria provided, single submitter. Criteria: Invitae Variant Classification Sherloc (09022015). Collection method: clinical testing. Allele origin: germline.
Comment: This sequence change replaces lysine, which is basic and polar, with glutamic acid, which is acidic and polar, at codon 340 of the FAM161A protein (p.Lys340Glu). This variant is present in population databases (rs569307291, gnomAD 0.007%). This variant has not been reported in the literature in individuals affected with FAM161A-related conditions. ClinVar contains an entry for this variant (Variation ID: 895730). Algorithms developed to predict the effect of missense changes on protein structure and function are either unavailable or do not agree on the potential impact of this missense change (SIFT: "Tolerated"; PolyPhen-2: "Probably Damaging"; Align-GVGD: "Class C0"). In summary, the available evidence is currently insufficient to determine the role of this variant in disease. Therefore, it has been classified as a Variant of Uncertain Significance.

Illumina Laboratory Services, Illumina
Classification: Uncertain significance for Retinitis pigmentosa. Last evaluated: 2017-04-27. Review status: criteria provided, single submitter. Criteria: ICSL Variant Classification Criteria 13 December 2019. Collection method: clinical testing. Allele origin: germline.

Natera, Inc.
Classification: Uncertain significance for Retinitis pigmentosa type 28. Last evaluated: 2020-07-08. Review status: no assertion criteria provided. Collection method: clinical testing. Allele origin: germline. Not counted in ClinVar's aggregate classification.

NM_001201543.2(FAM161A):c.1018A>G (p.Lys340Glu)

Gene: FAM161A (FAM161 centrosomal protein A; minus strand). Cytogenetic location: 2p15.
Variant type: single nucleotide variant.
Coding change: c.1018A>G on transcript NM_001201543.2 (MANE Select); coding-DNA position 1018, A replaced by G.
Protein change: p.Lys340Glu; replaces lysine 340 with glutamic acid.
Molecular consequence: missense variant. On other transcripts: non-coding transcript variant (1).
Genome position (GRCh38, 1-based): chr2:61,839,986, T>C on the plus strand (A>G on the coding strand, the complement: FAM161A is on the minus strand). VCF-style: chr2-61839986-T-C. GRCh37 (hg19) VCF-style: chr2-62067121-T-C.
Other names: c.1018A>G, p.Lys340Glu (NM_032180.3); short protein forms K340E.
Identifiers: ClinVar variation 895730 (VCV000895730.8), dbSNP rs569307291, ClinGen allele CA1679231.